The following is an entry in ClinVar:

NM_000301.5(PLG):c.323G>T (p.Gly108Val)

Gene: PLG (plasminogen; plus strand). Cytogenetic location: 6q26.
Variant type: single nucleotide variant.
Coding change: c.323G>T on transcript NM_000301.5 (MANE Select); coding-DNA position 323, G replaced by T.
Protein change: p.Gly108Val; replaces glycine 108 with valine.
Molecular consequence: missense variant.
Genome position (GRCh38, 1-based): chr6:160,711,107, G>T. VCF-style: chr6-160711107-G-T. GRCh37 (hg19) VCF-style: chr6-161132139-G-T.
Other names: c.323G>T, p.Gly108Val (NM_001168338.1); short protein forms G108V.
Identifiers: ClinVar variation 3617458 (VCV003617458.2).

ClinVar aggregate classification (germline): Uncertain significance (1 of 4 stars; one submission).

gnomAD v4.1: 12 of 1,612,118 alleles (0.00074%); highest among the groups gnomAD compares: East Asian, 0.027%; no homozygotes.

Submission:

Labcorp Genetics (formerly Invitae), Labcorp
Classification: Uncertain significance. Last evaluated: 2024-11-22. Review status: criteria provided, single submitter. Criteria: Invitae Variant Classification Sherloc (09022015). Collection method: clinical testing. Allele origin: germline.
Comment: This sequence change replaces glycine, which is neutral and non-polar, with valine, which is neutral and non-polar, at codon 108 of the PLG protein (p.Gly108Val). This variant is present in population databases (rs545865924, gnomAD 0.02%). This missense change has been observed in individual(s) with C3 glomerulopathy (PMID: 34245915). Invitae Evidence Modeling of protein sequence and biophysical properties (such as structural, functional, and spatial information, amino acid conservation, physicochemical variation, residue mobility, and thermodynamic stability) indicates that this missense variant is expected to disrupt PLG protein function with a positive predictive value of 95%. In summary, the available evidence is currently insufficient to determine the role of this variant in disease. Therefore, it has been classified as a Variant of Uncertain Significance.

Literature cited by the submitters: PubMed 34245915.